The following is an entry in ClinVar:

NM_001330588.2(TPP2):c.407A>T (p.Lys136Ile)

Gene: TPP2 (tripeptidyl peptidase 2; plus strand). Cytogenetic location: 13q33.1.
Variant type: single nucleotide variant.
Coding change: c.407A>T on transcript NM_001330588.2 (MANE Select); coding-DNA position 407, A replaced by T.
Protein change: p.Lys136Ile; replaces lysine 136 with isoleucine.
Molecular consequence: missense variant. On other transcripts: non-coding transcript variant (1).
Genome position (GRCh38, 1-based): chr13:102,616,412, A>T. VCF-style: chr13-102616412-A-T. GRCh37 (hg19) VCF-style: chr13-103268762-A-T.
Other names: c.407A>T, p.Lys136Ile (LRG_1341t1, NM_001367947.1, NM_003291.4); short protein forms K136I.
Identifiers: ClinVar variation 544309 (VCV000544309.6), dbSNP rs1555298003, ClinGen allele CA388473389.

ClinVar aggregate classification (germline): Uncertain significance (1 of 4 stars; one submission).

Conditions:
Evans syndrome, immunodeficiency, and premature immunosenescence associated with tripeptidyl-peptidase II deficiency. Identifiers: MedGen CN231723. Disease mechanism: loss of function.

Allele frequency attached by ClinVar (database versions not stated): gnomAD exomes below 0.00001.
gnomAD v4.1: 3 of 1,610,470 alleles (0.00019%); highest among the groups gnomAD compares: Non-Finnish European, 0.00025%; no homozygotes.

Submission:

Labcorp Genetics (formerly Invitae), Labcorp
Classification: Uncertain significance for Evans syndrome, immunodeficiency, and premature immunosenescence associated with tripeptidyl-peptidase II deficiency. Last evaluated: 2022-02-04. Review status: criteria provided, single submitter. Criteria: Invitae Variant Classification Sherloc (09022015). Collection method: clinical testing. Allele origin: germline.
Comment: This sequence change replaces lysine, which is basic and polar, with isoleucine, which is neutral and non-polar, at codon 136 of the TPP2 protein (p.Lys136Ile). This variant is not present in population databases (gnomAD no frequency). This variant has not been reported in the literature in individuals affected with TPP2-related conditions. ClinVar contains an entry for this variant (Variation ID: 544309). Algorithms developed to predict the effect of missense changes on protein structure and function are either unavailable or do not agree on the potential impact of this missense change (SIFT: "Deleterious"; PolyPhen-2: "Possibly Damaging"; Align-GVGD: "Class C0"). In summary, the available evidence is currently insufficient to determine the role of this variant in disease. Therefore, it has been classified as a Variant of Uncertain Significance.